The following is an entry in ClinVar:

NM_002334.4(LRP4):c.963T>A (p.Asn321Lys)

Gene: LRP4 (LDL receptor related protein 4; minus strand). Cytogenetic location: 11p11.2.
Variant type: single nucleotide variant.
Coding change: c.963T>A on transcript NM_002334.4 (MANE Select); coding-DNA position 963, T replaced by A.
Protein change: p.Asn321Lys; replaces asparagine 321 with lysine.
Molecular consequence: missense variant.
Genome position (GRCh38, 1-based): chr11:46,896,295, A>T on the plus strand (T>A on the coding strand, the complement: LRP4 is on the minus strand). VCF-style: chr11-46896295-A-T. GRCh37 (hg19) VCF-style: chr11-46917846-A-T.
Other names: short protein forms N321K.
Identifiers: ClinVar variation 878163 (VCV000878163.8), dbSNP rs1257559745, ClinGen allele CA380287689.

ClinVar aggregate classification (germline): Uncertain significance. Review status: criteria provided, multiple submitters, no conflicts (2 of 4 stars). 2 submissions from 2 submitters: Uncertain significance (2). Last evaluated 2022-03-19.

Conditions:
Cenani-Lenz syndactyly syndrome. Also called: CENANI SYNDACTYLISM; SYNDACTYLY, TYPE VII. Identifiers: Orphanet 3258, MedGen C1859309, MONDO:0008931, OMIM 212780.
Congenital myasthenic syndrome 17. Identifiers: Orphanet 590, MedGen C4225377, MONDO:0014578, OMIM 616304.
Sclerosteosis 2 (SOST2). Identifiers: Orphanet 3152, MedGen C3280402, MONDO:0013679, OMIM 614305.

Allele frequency attached by ClinVar (database versions not stated): gnomAD exomes 0.00001.
gnomAD v4.1: 9 of 1,614,152 alleles (0.00056%); highest among the groups gnomAD compares: East Asian, 0.02%; no homozygotes.

Submissions (2):

Labcorp Genetics (formerly Invitae), Labcorp
Classification: Uncertain significance for Cenani-Lenz syndactyly syndrome; Sclerosteosis 2; Congenital myasthenic syndrome 17. Last evaluated: 2022-03-19. Review status: criteria provided, single submitter. Criteria: Invitae Variant Classification Sherloc (09022015). Collection method: clinical testing. Allele origin: germline.
Comment: In summary, the available evidence is currently insufficient to determine the role of this variant in disease. Therefore, it has been classified as a Variant of Uncertain Significance. This sequence change replaces asparagine, which is neutral and polar, with lysine, which is basic and polar, at codon 321 of the LRP4 protein (p.Asn321Lys). This variant is present in population databases (no rsID available, gnomAD 0.02%). This variant has not been reported in the literature in individuals affected with LRP4-related conditions. ClinVar contains an entry for this variant (Variation ID: 878163). Algorithms developed to predict the effect of missense changes on protein structure and function are either unavailable or do not agree on the potential impact of this missense change (SIFT: "Deleterious"; PolyPhen-2: "Possibly Damaging"; Align-GVGD: "Class C0").

Illumina Laboratory Services, Illumina
Classification: Uncertain significance for Cenani-Lenz syndactyly syndrome. Last evaluated: 2018-01-12. Review status: criteria provided, single submitter. Criteria: ICSL Variant Classification Criteria 13 December 2019. Collection method: clinical testing. Allele origin: germline.